The following is an entry in ClinVar:

ClinVar aggregate classification (germline): Uncertain significance (1 of 4 stars; one submission).

Submission:

Labcorp Genetics (formerly Invitae), Labcorp
Classification: Uncertain significance. Last evaluated: 2022-04-16. Review status: criteria provided, single submitter. Criteria: Invitae Variant Classification Sherloc (09022015). Collection method: clinical testing. Allele origin: germline.
Comment: This sequence change replaces threonine, which is neutral and polar, with isoleucine, which is neutral and non-polar, at codon 758 of the C7 protein (p.Thr758Ile). This variant is not present in population databases (gnomAD no frequency). This variant has not been reported in the literature in individuals affected with C7-related conditions. Algorithms developed to predict the effect of missense changes on protein structure and function (SIFT, PolyPhen-2, Align-GVGD) all suggest that this variant is likely to be tolerated. In summary, the available evidence is currently insufficient to determine the role of this variant in disease. Therefore, it has been classified as a Variant of Uncertain Significance.

NM_000587.4(C7):c.2273C>T (p.Thr758Ile)

Gene: C7 (complement C7; plus strand). Cytogenetic location: 5p13.1.
Variant type: single nucleotide variant.
Coding change: c.2273C>T on transcript NM_000587.4 (MANE Select); coding-DNA position 2273, C replaced by T.
Protein change: p.Thr758Ile; replaces threonine 758 with isoleucine.
Molecular consequence: missense variant.
Genome position (GRCh38, 1-based): chr5:40,979,832, C>T. VCF-style: chr5-40979832-C-T. GRCh37 (hg19) VCF-style: chr5-40979934-C-T.
Other names: short protein forms T758I.
Identifiers: ClinVar variation 1934537 (VCV001934537.5), dbSNP rs2478284372, ClinGen allele CA359595176.